The following is an entry in ClinVar:

ClinVar aggregate classification (germline): Uncertain significance (1 of 4 stars; one submission).

Conditions:
Baller-Gerold syndrome (BGS). Also called: CRANIOSYNOSTOSIS WITH RADIAL DEFECTS. Identifiers: Orphanet 1225, MedGen C0265308, MONDO:0009039, OMIM 218600.

Allele frequency attached by ClinVar (database versions not stated): gnomAD exomes below 0.00001 and 0.00001; TOPMed below 0.00001; gnomAD 0.00001; ExAC 0.00002.

Submission:

Labcorp Genetics (formerly Invitae), Labcorp
Classification: Uncertain significance for Baller-Gerold syndrome. Last evaluated: 2024-06-25. Review status: criteria provided, single submitter. Criteria: Invitae Variant Classification Sherloc (09022015). Collection method: clinical testing. Allele origin: germline.
Comment: This sequence change replaces glycine, which is neutral and non-polar, with arginine, which is basic and polar, at codon 391 of the RECQL4 protein (p.Gly391Arg). This variant is present in population databases (rs749556633, gnomAD 0.003%). This variant has not been reported in the literature in individuals affected with RECQL4-related conditions. ClinVar contains an entry for this variant (Variation ID: 1038620). Advanced modeling of protein sequence and biophysical properties (such as structural, functional, and spatial information, amino acid conservation, physicochemical variation, residue mobility, and thermodynamic stability) performed at Invitae indicates that this missense variant is not expected to disrupt RECQL4 protein function with a negative predictive value of 80%. In summary, the available evidence is currently insufficient to determine the role of this variant in disease. Therefore, it has been classified as a Variant of Uncertain Significance.

NM_004260.4(RECQL4):c.1171G>C (p.Gly391Arg)

Gene: RECQL4 (RecQ like helicase 4; minus strand). Cytogenetic location: 8q24.3.
Variant type: single nucleotide variant.
Coding change: c.1171G>C on transcript NM_004260.4 (MANE Select); coding-DNA position 1171, G replaced by C.
Protein change: p.Gly391Arg; replaces glycine 391 with arginine.
Molecular consequence: missense variant.
Genome position (GRCh38, 1-based): chr8:144,515,851, C>G on the plus strand (G>C on the coding strand, the complement: RECQL4 is on the minus strand). VCF-style: chr8-144515851-C-G. GRCh37 (hg19) VCF-style: chr8-145741235-C-G.
Other names: short protein forms G391R.
Identifiers: ClinVar variation 1038620 (VCV001038620.5), dbSNP rs749556633, ClinGen allele CA4949000.